The following is an entry in ClinVar:

NM_024422.6(DSC2):c.1981G>A (p.Val661Ile)

Gene: DSC2 (desmocollin 2; minus strand). Cytogenetic location: 18q12.1.
Variant type: single nucleotide variant.
Coding change: c.1981G>A on transcript NM_024422.6 (MANE Select); coding-DNA position 1981, G replaced by A.
Protein change: p.Val661Ile; replaces valine 661 with isoleucine.
Molecular consequence: missense variant.
Genome position (GRCh38, 1-based): chr18:31,071,749, C>T on the plus strand (G>A on the coding strand, the complement: DSC2 is on the minus strand). VCF-style: chr18-31071749-C-T. GRCh37 (hg19) VCF-style: chr18-28651715-C-T.
Other names: c.1981G>A, p.Val661Ile (NM_004949.5); short protein forms V661I.
Identifiers: ClinVar variation 416264 (VCV000416264.21), dbSNP rs781419827, ClinGen allele CA034141.

ClinVar aggregate classification (germline): Likely benign. Review status: criteria provided, multiple submitters, no conflicts (2 of 4 stars). 6 submissions from 6 submitters: Likely benign (6). Last evaluated 2025-10-27.

Conditions:
Familial isolated arrhythmogenic right ventricular dysplasia. Identifiers: Orphanet 217656, MedGen C4274968, MONDO:0016342.
Cardiomyopathy (CMYO). Also called: Cardiomyopathies. Identifiers: Orphanet 167848, MedGen C0878544, MONDO:0004994, HP:0001638. Inheritance: Various modes of inheritance.
Cardiovascular phenotype. Identifiers: MedGen CN230736.
Arrhythmogenic right ventricular dysplasia 11. Also called: Arrhythmogenic Right Ventricular Dysplasia/Cardiomyopathy11; ARRHYTHMOGENIC RIGHT VENTRICULAR DYSPLASIA, FAMILIAL, 11; Arrhythmogenic right ventricular dysplasia 11 with mild palmoplantar keratoderma and woolly hair. Identifiers: MedGen C1864850, MONDO:0012506, OMIM 610476.

Allele frequency attached by ClinVar (database versions not stated): TOPMed below 0.00001; gnomAD 0.00001; gnomAD exomes 0.00009 and 0.00018; ExAC 0.00020.
gnomAD v4.1: 136 of 1,613,728 alleles (0.0084%); highest among the groups gnomAD compares: South Asian, 0.14%; 2 homozygotes.

Submissions (6):

Labcorp Genetics (formerly Invitae), Labcorp
Classification: Likely benign for Arrhythmogenic right ventricular dysplasia 11. Last evaluated: 2025-10-27. Review status: criteria provided, single submitter. Criteria: Invitae Variant Classification Sherloc (09022015). Collection method: clinical testing. Allele origin: germline.

All of Us Research Program, National Institutes of Health
Classification: Likely benign for Familial isolated arrhythmogenic right ventricular dysplasia. Last evaluated: 2024-05-31. Review status: criteria provided, single submitter. Criteria: ACMG Guidelines, 2015. Collection method: clinical testing. Allele origin: germline. Inheritance: Autosomal dominant inheritance. Observed: 4 variant alleles, 4 heterozygotes.
Comment: This study involves interpretation of variants in research participants for the purpose of population health screening. Participant phenotype was not available at the time of variant classification. Additional details can be found in publication PMID: 35346344, PMCID: PMC8962531

GeneDx
Classification: Likely benign. Last evaluated: 2022-05-17. Review status: criteria provided, single submitter. Criteria: GeneDx Variant Classification Process June 2021. Collection method: clinical testing. Allele origin: germline. Affected: yes.
Comment: See Variant Classification Assertion Criteria.

Blueprint Genetics
Classification: Likely benign. Last evaluated: 2022-01-28. Review status: criteria provided, single submitter. Criteria: ACMG Guidelines, 2015. Collection method: clinical testing. Allele origin: germline.

Ambry Genetics
Classification: Likely benign for Cardiovascular phenotype. Last evaluated: 2020-04-09. Review status: criteria provided, single submitter. Criteria: Ambry Variant Classification Scheme 2023. Collection method: clinical testing. Allele origin: germline.

Color Diagnostics, LLC DBA Color Health
Classification: Likely benign for Cardiomyopathy. Last evaluated: 2019-01-28. Review status: criteria provided, single submitter. Criteria: ACMG Guidelines, 2015. Collection method: clinical testing. Allele origin: germline.